The following is an entry in ClinVar:

ClinVar aggregate classification (germline): Uncertain significance. Review status: criteria provided, single submitter (1 of 4 stars). 2 submissions from 2 submitters: Uncertain significance (1). 1 of the submissions does not count toward it. Last evaluated 2023-06-13.

Conditions:
Duchenne muscular dystrophy (DMD). Also called: MUSCULAR DYSTROPHY, PSEUDOHYPERTROPHIC PROGRESSIVE, DUCHENNE TYPE; Duchenne Muscular Dystrophy (DMD). Identifiers: Orphanet 98896, MedGen C0013264, MONDO:0010679, OMIM 310200.
Dystrophin deficiency.
Becker muscular dystrophy (BMD). Also called: MUSCULAR DYSTROPHY, PSEUDOHYPERTROPHIC PROGRESSIVE, BECKER TYPE; Becker Muscular Dystrophy (BMD). Identifiers: Orphanet 98895, MedGen C0917713, MONDO:0010311, OMIM 300376.
Cardiomyopathy (CMYO). Also called: Cardiomyopathies. Identifiers: Orphanet 167848, MedGen C0878544, MONDO:0004994, HP:0001638. Inheritance: Various modes of inheritance.

Submissions (2):

Labcorp Genetics (formerly Invitae), Labcorp
Classification: Uncertain significance for Duchenne muscular dystrophy. Last evaluated: 2023-06-13. Review status: criteria provided, single submitter. Criteria: Invitae Variant Classification Sherloc (09022015). Collection method: clinical testing. Allele origin: germline.
Comment: This sequence change replaces histidine, which is basic and polar, with asparagine, which is neutral and polar, at codon 265 of the DMD protein (p.His265Asn). In summary, the available evidence is currently insufficient to determine the role of this variant in disease. Therefore, it has been classified as a Variant of Uncertain Significance. Advanced modeling of protein sequence and biophysical properties (such as structural, functional, and spatial information, amino acid conservation, physicochemical variation, residue mobility, and thermodynamic stability) performed at Invitae indicates that this missense variant is not expected to disrupt DMD protein function. ClinVar contains an entry for this variant (Variation ID: 948105). This variant has not been reported in the literature in individuals affected with DMD-related conditions. This variant is not present in population databases (gnomAD no frequency).

Natera, Inc.
Classification: Uncertain significance for Becker muscular dystrophy; Cardiomyopathy; Duchenne muscular dystrophy; Dystrophin deficiency. Last evaluated: 2020-07-30. Review status: no assertion criteria provided. Collection method: clinical testing. Allele origin: germline. Not counted in ClinVar's aggregate classification.

NM_004006.3(DMD):c.793C>A (p.His265Asn)

Gene: DMD (dystrophin; minus strand). Cytogenetic location: Xp21.1.
Variant type: single nucleotide variant.
Coding change: c.793C>A on transcript NM_004006.3 (MANE Select); coding-DNA position 793, C replaced by A.
Protein change: p.His265Asn; replaces histidine 265 with asparagine.
Molecular consequence: missense variant.
Genome position (GRCh38, 1-based): chrX:32,699,150, G>T on the plus strand (C>A on the coding strand, the complement: DMD is on the minus strand). VCF-style: chrX-32699150-G-T. GRCh37 (hg19) VCF-style: chrX-32717267-G-T.
Other names: c.769C>A, p.His257Asn (NM_000109.4); c.781C>A, p.His261Asn (NM_004009.3); c.424C>A, p.His142Asn (NM_004010.3); short protein forms H257N, H261N, H265N, H142N.
Identifiers: ClinVar variation 948105 (VCV000948105.11), dbSNP rs1603150210, ClinGen allele CA412668869.
Genomic context (GRCh38, chrX:32,699,150, plus strand): 5'-AGCTGTCCTTTACACACTTTACCTGTTGAGAATAGTGCATTTGATGATGTAACTGAAAAT[G>T]TTCTTCTTTAGTCACTTTAGGTGGCCTTGGCAACATTTCCACTTCCTGGATGGCTTCAAT-3'
Protein context (NP_003997.2, residues 255-275): PRPPKVTKEE[His265Asn]FQLHHQMHYS